The following is an entry in ClinVar:

NM_012210.4(TRIM32):c.1199G>T (p.Arg400Leu)

Genes: ASTN2 (astrotactin 2; minus strand), TRIM32 (tripartite motif containing 32; plus strand). Cytogenetic location: 9q33.1.
Variant type: single nucleotide variant.
Coding change: c.1199G>T on transcript NM_012210.4 (MANE Select); coding-DNA position 1199, G replaced by T.
Protein change: p.Arg400Leu; replaces arginine 400 with leucine.
Molecular consequence: missense variant. On other transcripts: intron variant (3).
Genome position (GRCh38, 1-based): chr9:116,698,941, G>T. VCF-style: chr9-116698941-G-T. GRCh37 (hg19) VCF-style: chr9-119461220-G-T.
Other names: c.1199G>T, p.Arg400Leu (NM_001099679.2, NM_001379048.1, NM_001379049.1 and 1 more transcripts); c.2653+26830C>A (NM_014010.5); c.2794+26830C>A (NM_001365069.1); c.2806+26830C>A (NM_001365068.1); short protein forms R400L.
Identifiers: ClinVar variation 1004433 (VCV001004433.10), dbSNP rs373015960, ClinGen allele CA5211117.

ClinVar aggregate classification (germline): Uncertain significance. Review status: criteria provided, multiple submitters, no conflicts (2 of 4 stars). 2 submissions from 2 submitters: Uncertain significance (2). Last evaluated 2022-01-13.

Conditions:
Bardet-Biedl syndrome 11 (BBS11). Identifiers: Orphanet 110, MedGen C1859569, MONDO:0014439, OMIM 615988.
Sarcotubular myopathy (LGMDR8). Also called: Autosomal recessive limb-girdle muscular dystrophy type 2H; MUSCULAR DYSTROPHY, LIMB-GIRDLE, AUTOSOMAL RECESSIVE 8; Hutterite type of muscular dystrophy; Limb-girdle muscular dystrophy, type 2H. Identifiers: Orphanet 1878, MedGen C0270968, MONDO:0009683, OMIM 254110.
Bardet-Biedl syndrome (BBS). Identifiers: Orphanet 110, MedGen C0752166, MONDO:0015229.

gnomAD v4.1: 3 of 1,614,160 alleles (0.00019%); highest among the groups gnomAD compares: Middle Eastern, 0.033%; no homozygotes.

Submissions (2):

Fulgent Genetics
Classification: Uncertain significance for Sarcotubular myopathy; Bardet-Biedl syndrome 11. Last evaluated: 2022-01-13. Review status: criteria provided, single submitter. Criteria: ACMG Guidelines, 2015. Collection method: clinical testing. Allele origin: unknown.

Labcorp Genetics (formerly Invitae), Labcorp
Classification: Uncertain significance for Bardet-Biedl syndrome. Last evaluated: 2020-09-11. Review status: criteria provided, single submitter. Criteria: Invitae Variant Classification Sherloc (09022015). Collection method: clinical testing. Allele origin: germline.
Comment: In summary, the available evidence is currently insufficient to determine the role of this variant in disease. Therefore, it has been classified as a Variant of Uncertain Significance. Algorithms developed to predict the effect of missense changes on protein structure and function (SIFT, PolyPhen-2, Align-GVGD) all suggest that this variant is likely to be disruptive, but these predictions have not been confirmed by published functional studies and their clinical significance is uncertain. This variant has not been reported in the literature in individuals with TRIM32-related conditions. This variant is present in population databases (rs373015960, ExAC 0.002%). This sequence change replaces arginine with leucine at codon 400 of the TRIM32 protein (p.Arg400Leu). The arginine residue is highly conserved and there is a moderate physicochemical difference between arginine and leucine.